The following is an entry in ClinVar:

NM_001110556.2(FLNA):c.5039GCAAAG[1] (p.1680GK[1])

Gene: FLNA (filamin A; minus strand). Cytogenetic location: Xq28.
Variant type: Microsatellite.
Coding change: c.5039GCAAAG[1] on transcript NM_001110556.2 (MANE Select); one copy of the 6-base unit GCAAAG starting at c.5039; the reference has two copies in a row; one copy, 6 bases deleted; also written c.5045_5050del.
Protein change: p.1680GK[1].
Molecular consequence: inframe deletion.
Genome position (GRCh38, 1-based): chrX:154,354,992-154,354,997, CTTTGC deleted on the plus strand (GCAAAG on the coding strand, the reverse complement: FLNA is on the minus strand); deleting any 6 consecutive bases within chrX:154,354,992-154,355,005 gives the same sequence; the position shown is the placement nearest the transcript's 3' end. VCF-style (leftmost placement, unchanged base first): chrX-154354991-ACTTTGC-A. GRCh37 (hg19) VCF-style: chrX-153583359-ACTTTGC-A.
Other names: c.5015GCAAAG[1], p.1672GK[1] (NM_001456.4); c.5045_5050del (NM_001110556.2).
Identifiers: ClinVar variation 3603228 (VCV003603228.2).
Genomic context (GRCh38, chrX:154,354,991, plus strand): 5'-TCATTCTCCACCACGTCCACATCCACCTCTGAGCCATCAGGCGTGCACACGGTGCACGTC[ACTTTGC>A]CTTTGCCTGCCGCCTTAGTGTCCACAGTGATCACCGTCTCCTCCCCAATCTGAATGGTGG-3'

ClinVar aggregate classification (germline): Likely pathogenic. Review status: criteria provided, multiple submitters, no conflicts (2 of 4 stars). 2 submissions from 2 submitters: Likely pathogenic (2). Last evaluated 2024-08-05.

Conditions:
Melnick-Needles syndrome (MNS). Also called: MELNICK-NEEDLES OSTEODYSPLASTY; OSTEODYSPLASTY OF MELNICK AND NEEDLES; Melnick-Needles Syndrome (FLNA-MNS). Identifiers: Orphanet 2484, MedGen C0025237, MONDO:0010650, OMIM 309350.
Oto-palato-digital syndrome, type I (OPD1). Also called: OPD I SYNDROME; OPD SYNDROME 1; Taybi syndrome; Otopalatodigital Syndrome, Type I; Otopalatodigital Syndrome Type 1 (FLNA-OPD1). Identifiers: Orphanet 669, Orphanet 90650, MedGen C0265251, MONDO:0010704, OMIM 311300.
Cardiac valvular dysplasia, X-linked (CVDPX). Also called: MYXOMATOUS VALVULAR DYSTROPHY, X-LINKED; VALVULAR HEART DISEASE, CONGENITAL; FLNA-Related X-linked Cardiac Valvular Dysplasia; Congenital valvular dysplasia; Isolated X-Linked Cardiac Valvular Dysplasia. Identifiers: Orphanet 1864, Orphanet 555877, Orphanet 75497, MedGen C0262436, MONDO:0010753, OMIM 314400.
Oto-palato-digital syndrome, type II (OPD2). Also called: OPD II SYNDROME; FACIOPALATOOSSEOUS SYNDROME; Otopalatodigital Syndrome, Type II; Otopalatodigital Syndrome Type 2 (FLNA-OPD2). Identifiers: Orphanet 669, Orphanet 90652, MedGen C1844696, MONDO:0010571, OMIM 304120.
Terminal osseous dysplasia-pigmentary defects syndrome. Also called: ODPF SYNDROME; OSSEOUS DYSPLASIA, DIGITAL, WITH FACIAL PIGMENTARY DEFECTS AND MULTIPLE FRENULA; ODPD; TERMINAL OSSEOUS DYSPLASIA AND PIGMENTARY DEFECTS; Terminal Osseous Dysplasia (FLNA-TOD). Identifiers: Orphanet 88630, MedGen C1846129, MONDO:0010279, OMIM 300244.
Heterotopia, periventricular, X-linked dominant (PVNH1). Also called: PERIVENTRICULAR NODULAR HETEROTOPIA 1; X-linked periventricular heterotopia; PERIVENTRICULAR NODULAR HETEROTOPIA 4; HETEROTOPIA, PERIVENTRICULAR, 1. Identifiers: Orphanet 2149, Orphanet 82004, MedGen C1848213, MONDO:0010233, OMIM 300049.
FG syndrome 2 (FGS2). Identifiers: MedGen C1845902, MONDO:0010297, OMIM 300321.

Submissions (2):

GeneDx
Classification: Likely pathogenic. Last evaluated: 2024-08-05. Review status: criteria provided, single submitter. Criteria: GeneDx Variant Classification Process June 2021. Collection method: clinical testing. Allele origin: germline. Affected: yes.
Comment: Not observed at significant frequency in large population cohorts (gnomAD); In-frame deletion of 2 amino acids in a non-repeat region; In silico analysis supports a deleterious effect on protein structure/function; Has not been previously published as pathogenic or benign to our knowledge

New York Genome Center
Classification: Likely pathogenic for Oto-palato-digital syndrome, type II; Cardiac valvular dysplasia, X-linked; FG syndrome 2; Melnick-Needles syndrome; Terminal osseous dysplasia-pigmentary defects syndrome; Oto-palato-digital syndrome, type I; Heterotopia, periventricular, X-linked dominant. Last evaluated: 2023-11-07. Review status: criteria provided, single submitter. Criteria: NYGC Assertion Criteria 2020. Collection method: clinical testing. Allele origin: de novo. Affected: yes. Observed: 1 variant allele, 1 heterozygote.
Comment: The de novo c.5045_5050del variant identified in the FLNA gene is predicted to result in the in-frame deletion of two amino acids, Gly1682 and Lys1683(p.(Gly1682_Lys1683del)) within the Filamin 15 repeat of Rod domain 1 of the protein (UniProtKB:P21333). This variant is absent from population databases (gnomADv2.1.1, gnomADv3.1.2, TOPMed Freeze 8, All of Us) suggesting it is not a common benign variant in the populations represented in those databases. This variant is absent from ClinVar and has not been previously reported in the literature, however variants within Filamin 15 as well as Filamin 14 of Rod domain 1 have been reported in affected male and females in the literature (for Review; [PMID:32108395]). Given its presence de novo in this fetus, its absence in population databases, the predicted consequence of protein length change, and the presence of other pathogenic variants within this domain reported in the literature, the de novo c.5045_5050del, p.(Gly1682_Lys1683del) variant identified in the FLNA gene is reported as Likely Pathogenic.